The following is an entry in ClinVar:

ClinVar aggregate classification (germline): Likely pathogenic (1 of 4 stars; one submission).

Conditions:
Short stature-brachydactyly-obesity-global developmental delay syndrome. Also called: Short stature, brachydactyly, intellectual developmental disability, and seizures; SHORT STATURE, BRACHYDACTYLY, IMPAIRED INTELLECTUAL DEVELOPMENT, AND SEIZURES. Identifiers: Orphanet 464288, MedGen C4310689, MONDO:0014944, OMIM 617157.

Submission:

Genetics and Prenatal Diagnosis Center, The First Affiliated Hospital of Zhengzhou University
Classification: Likely pathogenic for Short stature-brachydactyly-obesity-global developmental delay syndrome. Last evaluated: 2021-05-13. Review status: criteria provided, single submitter. Criteria: ACMG Guidelines, 2015. Collection method: clinical testing. Allele origin: germline. Affected: yes.

NM_019023.5(PRMT7):c.927G>T (p.Gln309His)

Gene: PRMT7 (protein arginine methyltransferase 7; plus strand). Cytogenetic location: 16q22.1.
Variant type: single nucleotide variant.
Coding change: c.927G>T on transcript NM_019023.5 (MANE Select); coding-DNA position 927, G replaced by T.
Protein change: p.Gln309His; replaces glutamine 309 with histidine.
Molecular consequence: missense variant. On other transcripts: non-coding transcript variant (12).
Genome position (GRCh38, 1-based): chr16:68,339,968, G>T. VCF-style: chr16-68339968-G-T. GRCh37 (hg19) VCF-style: chr16-68373871-G-T.
Other names: c.777G>T, p.Gln259His (NM_001184824.4); c.927G>T, p.Gln309His (NM_001290018.2, NM_001351143.3, NM_001351144.3 and 1 more transcripts); c.720G>T, p.Gln240His (NM_001378020.1); c.690G>T, p.Gln230His (NM_001378021.1, NM_001378022.1, NM_001378023.1); short protein forms Q230H, Q240H, Q259H, Q309H.
Identifiers: ClinVar variation 1098281 (VCV001098281.1), dbSNP rs1597361540, ClinGen allele CA396434819.